The following is an entry in ClinVar:

NM_021813.4(BACH2):c.1970G>T (p.Arg657Leu)

Gene: BACH2 (BACH transcriptional regulator 2; minus strand). Cytogenetic location: 6q15.
Variant type: single nucleotide variant.
Coding change: c.1970G>T on transcript NM_021813.4 (MANE Select); coding-DNA position 1970, G replaced by T.
Protein change: p.Arg657Leu; replaces arginine 657 with leucine.
Molecular consequence: missense variant.
Genome position (GRCh38, 1-based): chr6:89,938,217, C>A on the plus strand (G>T on the coding strand, the complement: BACH2 is on the minus strand). VCF-style: chr6-89938217-C-A. GRCh37 (hg19) VCF-style: chr6-90647936-C-A.
Other names: c.1970G>T, p.Arg657Leu (NM_001170794.2); short protein forms R657L.
Identifiers: ClinVar variation 2695278 (VCV002695278.3), dbSNP rs2533545964, ClinGen allele CA365069427.

ClinVar aggregate classification (germline): Uncertain significance (1 of 4 stars; one submission).

Submission:

Labcorp Genetics (formerly Invitae), Labcorp
Classification: Uncertain significance. Last evaluated: 2024-02-10. Review status: criteria provided, single submitter. Criteria: Invitae Variant Classification Sherloc (09022015). Collection method: clinical testing. Allele origin: germline.
Comment: This sequence change replaces arginine, which is basic and polar, with leucine, which is neutral and non-polar, at codon 657 of the BACH2 protein (p.Arg657Leu). This variant is not present in population databases (gnomAD no frequency). This variant has not been reported in the literature in individuals affected with BACH2-related conditions. Advanced modeling of protein sequence and biophysical properties (such as structural, functional, and spatial information, amino acid conservation, physicochemical variation, residue mobility, and thermodynamic stability) performed at Invitae indicates that this missense variant is expected to disrupt BACH2 protein function with a positive predictive value of 80%. In summary, the available evidence is currently insufficient to determine the role of this variant in disease. Therefore, it has been classified as a Variant of Uncertain Significance.